The following is an entry in ClinVar:

NM_000268.4(NF2):c.364-2A>G

Gene: NF2 (NF2, moesin-ezrin-radixin like (MERLIN) tumor suppressor; plus strand). Cytogenetic location: 22q12.2.
Variant type: single nucleotide variant.
Coding change: c.364-2A>G on transcript NM_000268.4 (MANE Select); the canonical splice acceptor site of the intron before coding-DNA position 364, A replaced by G.
Molecular consequence: splice acceptor variant.
Genome position (GRCh38, 1-based): chr22:29,642,200, A>G. VCF-style: chr22-29642200-A-G. GRCh37 (hg19) VCF-style: chr22-30038189-A-G.
Other names: c.250-2A>G (NM_001407056.1, NM_001407053.1); c.133-2A>G (NM_001407067.1); c.-277-2A>G (NM_001407065.1); c.364-2A>G (NM_181832.3, NM_001407060.1, NM_001407059.1 and 6 more transcripts); c.241-2A>G (NM_001407058.1, NM_181829.3, NM_001407054.1 and 1 more transcripts); c.238-2A>G (NM_181828.3, NM_001407055.1); c.115-2A>G (NM_001407063.1, NM_181830.3, NM_001407064.1 and 1 more transcripts).
Identifiers: ClinVar variation 3387396 (VCV003387396.2).

ClinVar aggregate classification (germline): Likely pathogenic. Review status: criteria provided, multiple submitters, no conflicts (2 of 4 stars). 2 submissions from 2 submitters: Likely pathogenic (2). Last evaluated 2025-08-26.

Conditions:
Hereditary cancer-predisposing syndrome. Also called: Tumor predisposition; Hereditary Cancer Syndrome; Hereditary neoplastic syndrome; Neoplastic Syndromes, Hereditary. Identifiers: Orphanet 140162, MedGen C0027672, MeSH D009386, MONDO:0015356.
Neurofibromatosis, type 2 (SWNV). Also called: NF2-Related Schwannomatosis; BILATERAL ACOUSTIC NEUROFIBROMATOSIS; SCHWANNOMATOSIS, VESTIBULAR. Identifiers: Orphanet 637, MedGen C0027832, MONDO:0007039, OMIM 101000. Disease mechanism: loss of function.

Submissions (2):

Ambry Genetics
Classification: Likely pathogenic for Hereditary cancer-predisposing syndrome. Last evaluated: 2025-08-26. Review status: criteria provided, single submitter. Criteria: Ambry Variant Classification Scheme 2023. Collection method: clinical testing. Allele origin: germline.
Comment: The c.364-2A>G intronic variant results from an A to G substitution two nucleotides upstream from coding exon 4 in the NF2 gene. Alterations that disrupt the canonical splice site are expected to result in aberrant splicing. In silico splice site analysis predicts that this alteration will weaken the native splice acceptor site and may result in the creation or strengthening of a novel splice acceptor site. A resulting transcript is predicted to be in-frame and is not expected to trigger nonsense-mediated mRNAdecay; although, direct evidence is unavailable. This variant was reported in individuals with features consistent with NF2-related schwannomatosis (Webb MJ et al. Neurooncol Adv, 2023 Sep;5:vdad123, Pendleton C et al. Acta Neurochir (Wien), 2020 Aug;162:1891-1897; Ambry internal data). This variant is considered to be rare based on population cohorts in the Genome Aggregation Database (gnomAD). This nucleotide position is highly conserved in available vertebrate species. Based on the majority of available evidence to date, this variant is likely to be pathogenic.

All of Us Research Program, National Institutes of Health
Classification: Likely pathogenic for Neurofibromatosis, type 2. Last evaluated: 2024-08-19. Review status: criteria provided, single submitter. Criteria: ACMG Guidelines, 2015. Collection method: clinical testing. Allele origin: germline. Inheritance: Autosomal dominant inheritance. Observed: 1 variant allele, 1 heterozygote.
Comment: The c.364-2A>G variant is located at the acceptor splice site in intron 4 of the NF2 gene. This variant is predicted to result in acceptor loss (SpliceAI delta score: 0.98) and may result in an in-frame deletion of exon 4, preserving the integrity of the reading frame. This variant has been reported in at least one individual with Neurofibromatosis type 2 (PMID 32529330, 37841698). Another variant c.364-1G>A affecting the same acceptor site has also been reported in one affected individual (PMID 20445339). Exon 4 deletion has been reported in individuals affected with NF2-related diseases, indicating the clinically significance of exon 4 (PMID: 8557252, 9817927). This variant is absent in the general population according to gnomAD. Therefore, the c.364-2A>G variant in the NF2 gene has been classified as likely pathogenic.

This study involves interpretation of variants in research participants for the purpose of population health screening. Participant phenotype was not available at the time of variant classification. Additional details can be found in publication PMID: 35346344, PMCID: PMC8962531

Literature cited by the submitters: PubMed 32529330 (cited by Ambry Genetics); PubMed 37841698 (cited by Ambry Genetics); PubMed 8557252 (cited by All of Us Research Program, National Institutes of Health); PubMed 9817927 (cited by All of Us Research Program, National Institutes of Health).